The following is an entry in ClinVar:

ClinVar aggregate classification (germline): Benign/Likely benign. Review status: criteria provided, multiple submitters, no conflicts (2 of 4 stars). 4 submissions from 4 submitters: Benign (1); Likely benign (3). Last evaluated 2024-06-18.

Conditions:
Hereditary cancer-predisposing syndrome. Also called: Hereditary Cancer Syndrome; Tumor predisposition; Neoplastic Syndromes, Hereditary; Hereditary neoplastic syndrome. Identifiers: Orphanet 140162, MedGen C0027672, MeSH D009386, MONDO:0015356.
Familial cancer of breast. Also called: hereditary breast carcinoma; BREAST CANCER, FAMILIAL; Hereditary breast cancer. Identifiers: Orphanet 227535, MedGen C0346153, MONDO:0016419, OMIM 114480. Disease mechanism: loss of function.
Ataxia-telangiectasia syndrome (AT). Also called: ATAXIA-TELANGIECTASIA, COMPLEMENTATION GROUP A; ATAXIA-TELANGIECTASIA, FRESNO VARIANT; Ataxia-telangiectasia; Ataxia-telangiectasia, complementation group E; Cerebello-oculocutaneous telangiectasia; Immunodeficiency with ataxia telangiectasia. Identifiers: Orphanet 100, MedGen C0004135, MONDO:0008840, OMIM 208900.

Allele frequency attached by ClinVar (database versions not stated): gnomAD 0.00001; TOPMed below 0.00001.
gnomAD v4.1: 1 of 1,613,980 alleles (0.000062%); highest among the groups gnomAD compares: Non-Finnish European, 0.000085%; no homozygotes.

Submissions (4):

Myriad Genetics, Inc.
Classification: Benign for Familial cancer of breast. Last evaluated: 2024-06-18. Review status: criteria provided, single submitter. Criteria: Myriad Autosomal Dominant, Autosomal Recessive and X-Linked Classification Criteria (2023). Collection method: clinical testing. Allele origin: unknown.
Comment: This variant is considered benign. This variant is a silent/synonymous amino acid change and it is not expected to impact splicing.

Labcorp Genetics (formerly Invitae), Labcorp
Classification: Likely benign for Ataxia-telangiectasia syndrome. Last evaluated: 2024-04-14. Review status: criteria provided, single submitter. Criteria: Invitae Variant Classification Sherloc (09022015). Collection method: clinical testing. Allele origin: germline.

Ambry Genetics
Classification: Likely benign for Hereditary cancer-predisposing syndrome. Last evaluated: 2021-11-23. Review status: criteria provided, single submitter. Criteria: Ambry Variant Classification Scheme 2023. Collection method: clinical testing. Allele origin: germline.

GeneDx
Classification: Likely benign. Last evaluated: 2017-07-11. Review status: criteria provided, single submitter. Criteria: GeneDx Variant Classification (06012015). Collection method: clinical testing. Allele origin: germline. Affected: yes.
Comment: This variant is considered likely benign or benign based on one or more of the following criteria: it is a conservative change, it occurs at a poorly conserved position in the protein, it is predicted to be benign by multiple in silico algorithms, and/or has population frequency not consistent with disease.

NM_000051.4(ATM):c.8112T>C (p.Cys2704=)

Genes: C11orf65 (chromosome 11 open reading frame 65; minus strand), ATM (ATM serine/threonine kinase; plus strand). Cytogenetic location: 11q22.3.
Variant type: single nucleotide variant.
Coding change: c.8112T>C on transcript NM_000051.4 (MANE Select); coding-DNA position 8112, T replaced by C.
Protein change: p.Cys2704=; no amino-acid change (cysteine 2704 retained).
Molecular consequence: synonymous variant. On other transcripts: intron variant (2).
Genome position (GRCh38, 1-based): chr11:108,335,070, T>C. VCF-style: chr11-108335070-T-C. GRCh37 (hg19) VCF-style: chr11-108205797-T-C.
Other names: c.8112T>C, p.Cys2704= (NM_001351834.2); c.641-25999A>G (NM_001330368.2); c.*38+150A>G (NM_001351110.2).
Identifiers: ClinVar variation 184572 (VCV000184572.15), dbSNP rs786201543, ClinGen allele CA189334.